The following is an entry in ClinVar:

ClinVar aggregate classification (germline): Conflicting classifications of pathogenicity. Review status: criteria provided, conflicting classifications (1 of 4 stars). 2 submissions from 2 submitters: Likely pathogenic (1); Uncertain significance (1). Last evaluated 2019-07-15.

Conditions:
Landau-Kleffner syndrome (FESD). Also called: EPILEPSY, FOCAL, WITH SPEECH DISORDER AND WITH OR WITHOUT MENTAL RETARDATION; APHASIA, ACQUIRED, WITH EPILEPSY. Identifiers: Orphanet 1945, Orphanet 725, Orphanet 98818, MedGen C0282512, MONDO:0009509, OMIM 245570.

Submissions (2):

Labcorp Genetics (formerly Invitae), Labcorp
Classification: Uncertain significance for Landau-Kleffner syndrome. Last evaluated: 2019-07-15. Review status: criteria provided, single submitter. Criteria: Invitae Variant Classification Sherloc (09022015). Collection method: clinical testing. Allele origin: germline.
Comment: This sequence change replaces alanine with threonine at codon 818 of the GRIN2A protein (p.Ala818Thr). The alanine residue is highly conserved and there is a small physicochemical difference between alanine and threonine. This variant is not present in population databases (ExAC no frequency). This variant has not been reported in the literature in individuals with GRIN2A-related disease. Algorithms developed to predict the effect of missense changes on protein structure and function do not agree on the potential impact of this missense change (SIFT: "Tolerated"; PolyPhen-2: "Probably Damaging"; Align-GVGD: "Class C0"). In summary, the available evidence is currently insufficient to determine the role of this variant in disease. Therefore, it has been classified as a Variant of Uncertain Significance.

Undiagnosed Diseases Network, NIH
Classification: Likely pathogenic for Landau-Kleffner syndrome. Last evaluated: 2017-07-31. Review status: criteria provided, single submitter. Criteria: ACMG Guidelines, 2015. Collection method: clinical testing. Allele origin: de novo. Inheritance: Autosomal dominant inheritance. Affected: yes. Observed: 1 variant allele, 1 heterozygote. Study: Undiagnosed Diseases Network (NIH), UDN.

NM_001134407.3(GRIN2A):c.2452G>A (p.Ala818Thr)

Gene: GRIN2A (glutamate ionotropic receptor NMDA type subunit 2A; minus strand). Cytogenetic location: 16p13.2.
Variant type: single nucleotide variant.
Coding change: c.2452G>A on transcript NM_001134407.3 (MANE Select); coding-DNA position 2452, G replaced by A.
Protein change: p.Ala818Thr; replaces alanine 818 with threonine.
Molecular consequence: missense variant.
Genome position (GRCh38, 1-based): chr16:9,768,994, C>T on the plus strand (G>A on the coding strand, the complement: GRIN2A is on the minus strand). VCF-style: chr16-9768994-C-T. GRCh37 (hg19) VCF-style: chr16-9862851-C-T.
Other names: c.2452G>A, p.Ala818Thr (NM_000833.5, NM_001134408.2); short protein forms A818T.
Identifiers: ClinVar variation 522855 (VCV000522855.14), dbSNP rs1555483699, ClinGen allele CA394710105.